The following is an entry in ClinVar:

NM_020247.5(COQ8A):c.1163-50T>A

Gene: COQ8A (coenzyme Q8A; plus strand). Cytogenetic location: 1q42.13.
Variant type: single nucleotide variant.
Coding change: c.1163-50T>A on transcript NM_020247.5 (MANE Select); 50 bases into the intron before coding-DNA position 1163, T replaced by A.
Molecular consequence: intron variant.
Genome position (GRCh38, 1-based): chr1:226,983,711, T>A. VCF-style: chr1-226983711-T-A. GRCh37 (hg19) VCF-style: chr1-227171412-T-A.
Identifiers: ClinVar variation 675928 (VCV000675928.2), dbSNP rs6690459, ClinGen allele CA1425337.

ClinVar aggregate classification (germline): Benign. Review status: criteria provided, multiple submitters, no conflicts (2 of 4 stars). 2 submissions from 2 submitters: Benign (2). Last evaluated 2018-06-14.

Allele frequency attached by ClinVar (database versions not stated): gnomAD exomes 0.00190 and 0.00543; ExAC 0.00672; gnomAD 0.01981; ESP Exome Variant Server 0.02299; TOPMed 0.02339; 1000 Genomes Project 0.02676; 1000 Genomes Project 30x 0.02936.
gnomAD v4.1: 6,040 of 1,610,602 alleles (0.38%); highest among the groups gnomAD compares: African/African-American, 7.1%; 196 homozygotes.

Submissions (2):

GeneDx
Classification: Benign. Last evaluated: 2018-06-14. Review status: criteria provided, single submitter. Criteria: GeneDx Variant Classification (06012015). Collection method: clinical testing. Allele origin: germline. Affected: yes.
Comment: This variant is considered likely benign or benign based on one or more of the following criteria: it is a conservative change, it occurs at a poorly conserved position in the protein, it is predicted to be benign by multiple in silico algorithms, and/or has population frequency not consistent with disease.

Breakthrough Genomics
Classification: Benign. Review status: criteria provided, single submitter. Criteria: ACMG Guidelines, 2015. Collection method: not provided. Allele origin: germline. Inheritance: Autosomal recessive inheritance. Affected: yes.